The following is an entry in ClinVar:

NM_030665.4(RAI1):c.4487G>C (p.Gly1496Ala)

Gene: RAI1 (retinoic acid induced 1; plus strand). Cytogenetic location: 17p11.2.
Variant type: single nucleotide variant.
Coding change: c.4487G>C on transcript NM_030665.4 (MANE Select); coding-DNA position 4487, G replaced by C.
Protein change: p.Gly1496Ala; replaces glycine 1496 with alanine.
Molecular consequence: missense variant.
Genome position (GRCh38, 1-based): chr17:17,797,435, G>C. VCF-style: chr17-17797435-G-C. GRCh37 (hg19) VCF-style: chr17-17700749-G-C.
Other names: short protein forms G1496A.
Identifiers: ClinVar variation 2901572 (VCV002901572.3), dbSNP rs781689576, ClinGen allele CA398556703.

ClinVar aggregate classification (germline): Uncertain significance (1 of 4 stars; one submission).

Submission:

Labcorp Genetics (formerly Invitae), Labcorp
Classification: Uncertain significance. Last evaluated: 2023-12-27. Review status: criteria provided, single submitter. Criteria: Invitae Variant Classification Sherloc (09022015). Collection method: clinical testing. Allele origin: germline.
Comment: This sequence change replaces glycine, which is neutral and non-polar, with alanine, which is neutral and non-polar, at codon 1496 of the RAI1 protein (p.Gly1496Ala). This variant is not present in population databases (gnomAD no frequency). This variant has not been reported in the literature in individuals affected with RAI1-related conditions. Advanced modeling of protein sequence and biophysical properties (such as structural, functional, and spatial information, amino acid conservation, physicochemical variation, residue mobility, and thermodynamic stability) performed at Invitae indicates that this missense variant is not expected to disrupt RAI1 protein function with a negative predictive value of 80%. In summary, the available evidence is currently insufficient to determine the role of this variant in disease. Therefore, it has been classified as a Variant of Uncertain Significance.